The following is an entry in ClinVar:

NM_000260.4(MYO7A):c.5259del (p.Lys1753fs)

Gene: MYO7A (myosin VIIA; plus strand). Cytogenetic location: 11q13.5.
Variant type: Deletion.
Coding change: c.5259del on transcript NM_000260.4 (MANE Select); coding-DNA position 5259, one base deleted (G; older notation c.5259delG).
Protein change: p.Lys1753fs; shifts the reading frame from lysine 1753.
Molecular consequence: frameshift variant.
Genome position (GRCh38, 1-based): chr11:77,203,150, G deleted. VCF-style (leftmost placement, unchanged base first): chr11-77203149-AG-A. GRCh37 (hg19) VCF-style: chr11-76914194-AG-A.
Other names: c.5145del, p.Lys1715fs (NM_001127180.2); c.5112del, p.Lys1704fs (NM_001369365.1); c.5259delG (NM_000260.3); c.5259del (NM_000260.3); short protein forms K1715fs, K1704fs, K1753fs.
Identifiers: ClinVar variation 556062 (VCV000556062.8), dbSNP rs1555103532, ClinGen allele CA658822326.

ClinVar aggregate classification (germline): Pathogenic/Likely pathogenic. Review status: criteria provided, multiple submitters, no conflicts (2 of 4 stars). 3 submissions from 3 submitters: Pathogenic (1); Likely pathogenic (1). 1 of the submissions does not count toward it. Last evaluated 2025-04-19.

Conditions:
Autosomal recessive nonsyndromic hearing loss 2. Also called: DEAFNESS, AUTOSOMAL RECESSIVE 2; NEUROSENSORY NONSYNDROMIC RECESSIVE DEAFNESS 2. Identifiers: Orphanet 90636, MedGen C1838701, MONDO:0010807, OMIM 600060.
Usher syndrome type 1 (USH1). Also called: RETINITIS PIGMENTOSA AND CONGENITAL DEAFNESS. Identifiers: Orphanet 231169, Orphanet 886, MedGen C1568247, MONDO:0010168, OMIM 276900.
Usher syndrome type 1B (USH1B). Also called: Usher syndrome type IB. Identifiers: MedGen C1848638, MONDO:0700087.

Allele frequency attached by ClinVar (database versions not stated): gnomAD exomes below 0.00001.

Submissions (3):

Natera, Inc.
Classification: Likely pathogenic for Usher syndrome type 1B. Last evaluated: 2025-04-19. Review status: criteria provided, single submitter. Criteria: Natera Variant Classification Schema (03/2026). Collection method: clinical testing. Allele origin: germline.
Comment: The c.5259del variant in MYO7A is a frameshift variant predicted to shift the reading frame beginning at codon 1753 and leads to a stop codon 52 codons downstream. This variant is expected to result in nonsense mediated decay, truncation, or a dysfunctional protein product. This variant is rare in the general population with a frequency below the threshold expected for the associated phenotype(s). Given the available evidence, this variant is classified as Likely Pathogenic.

Labcorp Genetics (formerly Invitae), Labcorp
Classification: Pathogenic. Last evaluated: 2022-09-13. Review status: criteria provided, single submitter. Criteria: Invitae Variant Classification Sherloc (09022015). Collection method: clinical testing. Allele origin: germline.
Comment: This variant is not present in population databases (gnomAD no frequency). This sequence change creates a premature translational stop signal (p.Lys1753Asnfs*52) in the MYO7A gene. It is expected to result in an absent or disrupted protein product. Loss-of-function variants in MYO7A are known to be pathogenic (PMID: 8900236, 25404053). This variant has not been reported in the literature in individuals affected with MYO7A-related conditions. ClinVar contains an entry for this variant (Variation ID: 556062). For these reasons, this variant has been classified as Pathogenic.

Counsyl
Classification: Likely pathogenic for Usher syndrome type 1; Autosomal recessive nonsyndromic hearing loss 2. Last evaluated: 2018-01-10. Review status: no assertion criteria provided. Collection method: clinical testing. Allele origin: unknown. Not counted in ClinVar's aggregate classification.

Literature cited by the submitters: PubMed 8900236 (cited by Labcorp Genetics (formerly Invitae), Labcorp); PubMed 25404053 (cited by Labcorp Genetics (formerly Invitae), Labcorp).